The following is an entry in ClinVar:

ClinVar aggregate classification (germline): Pathogenic (1 of 4 stars; one submission).

Conditions:
Maturity-onset diabetes of the young type 1. Also called: MILD JUVENILE DIABETES MELLITUS; MODY type 1; Diabetes mellitus MODY type 1; MODY HNF4A related; HNF4A-Related Maturity-Onset Diabetes of the Young Type 1; MODY, type I. Identifiers: Orphanet 552, MedGen C1852093, MONDO:0007452, OMIM 125850. Disease mechanism: loss of function.

Submission:

Laboratorio de Biologia Molecular - Genetica, Hospital de Pediatria Garrahan
Classification: Pathogenic for Maturity-onset diabetes of the young type 1. Last evaluated: 2024-05-10. Review status: criteria provided, single submitter. Criteria: ACMG Guidelines, 2015. Collection method: clinical testing. Allele origin: germline. Affected: yes. Observed: 1 variant allele.
Comment: This sequence change affects an acceptor splice site in intron 5 of the HNF4A gene. It is expected to disrupt RNA splicing. Variants that disrupt the acceptor splice site typically lead to a loss of protein function, and loss-of-function variants in HNF4A are known to be pathogenic (PVS1). This variant is not present in population databases (gnomAD no frequency) (PM2_supporting). A different variant affecting the same nucleotide has been reported in ClinGen as pathogenic (CA409106718 ) (PS1_Supporting). In summary, c.583-1G>T meets the criteria to be classified as pathogenic for monogenic diabetes. ACMG/AMP criteria applied, as specified by the ClinGen MDEP (specification version 4.0.0, released 10/10/2025):PVS1, PS1_Supporting, PM2_Supporting

NM_175914.5(HNF4A):c.583-1G>T

Gene: HNF4A (hepatocyte nuclear factor 4 alpha; plus strand). Cytogenetic location: 20q13.12.
Variant type: single nucleotide variant.
Coding change: c.583-1G>T on transcript NM_175914.5 (MANE Select); the canonical splice acceptor site of the intron before coding-DNA position 583, G replaced by T.
Molecular consequence: splice acceptor variant.
Genome position (GRCh38, 1-based): chr20:44,418,424, G>T. VCF-style: chr20-44418424-G-T. GRCh37 (hg19) VCF-style: chr20-43047064-G-T.
Other names: c.574-1G>T (NM_001287182.2, NM_001287183.2, NM_001287184.2); c.583-1G>T (NM_001030003.3, NM_001030004.3); c.628-1G>T (NM_001258355.2); c.649-1G>T (NM_178849.3, NM_000457.6, NM_178850.3).
Identifiers: ClinVar variation 4871743 (VCV004871743.1).